The following is an entry in ClinVar:

NM_198994.3(TGM6):c.115A>T (p.Ser39Cys)

Gene: TGM6 (transglutaminase 6; plus strand). Cytogenetic location: 20p13.
Variant type: single nucleotide variant.
Coding change: c.115A>T on transcript NM_198994.3 (MANE Select); coding-DNA position 115, A replaced by T.
Protein change: p.Ser39Cys; replaces serine 39 with cysteine.
Molecular consequence: missense variant.
Genome position (GRCh38, 1-based): chr20:2,394,559, A>T. VCF-style: chr20-2394559-A-T. GRCh37 (hg19) VCF-style: chr20-2375205-A-T.
Other names: c.115A>T, p.Ser39Cys (NM_001254734.2); short protein forms S39C.
Identifiers: ClinVar variation 225059 (VCV000225059.44), dbSNP rs144201778, ClinGen allele CA357983.

ClinVar aggregate classification (germline): Conflicting classifications of pathogenicity. Review status: criteria provided, conflicting classifications (1 of 4 stars). 9 submissions from 9 submitters: Uncertain significance (1); Benign (2); Likely benign (4). 2 of the submissions do not count toward it. Last evaluated 2025-11-28.

Conditions:
TGM6-related disorder. Also called: TGM6-related condition.
Inborn genetic diseases. Identifiers: MedGen C0950123, MeSH D030342.
Spinocerebellar ataxia type 35. Identifiers: Orphanet 276193, MedGen C3888031, MONDO:0013485, OMIM 613908.

Allele frequency attached by ClinVar (database versions not stated): TOPMed 0.00031; gnomAD 0.00036 and 0.00037; ESP Exome Variant Server 0.00038; gnomAD exomes 0.00046 and 0.00054; ExAC 0.00058.
gnomAD v4.1: 840 of 1,612,204 alleles (0.052%); highest among the groups gnomAD compares: South Asian, 0.087%; 3 homozygotes.

Submissions (9):

Women's Health and Genetics/Laboratory Corporation of America, LabCorp
Classification: Likely benign. Last evaluated: 2025-11-28. Review status: criteria provided, single submitter. Criteria: LabCorp Variant Classification Summary - May 2015. Collection method: clinical testing. Allele origin: germline.
Comment: Variant summary: TGM6 c.115A>T (p.Ser39Cys) results in a non-conservative amino acid change in the encoded protein sequence. Algorithms developed to predict the effect of missense changes on protein structure and function are either unavailable or do not agree on the potential impact of this missense change. The variant allele was found at a frequency of 0.00052 in 1612204 control chromosomes, predominantly at a frequency of 0.00087 within the South Asian subpopulation in the gnomAD database, including 3 homozygotes. c.115A>T has been reported in the literature, without strong evidence for causality (Farwell_2015). These report(s) do not provide unequivocal conclusions about association of the variant with Spinocerebellar Ataxia 35. To our knowledge, no experimental evidence demonstrating an impact on protein function has been reported. The following publication has been ascertained in the context of this evaluation (PMID: 25356970). ClinVar contains an entry for this variant (Variation ID: 225059). Based on the evidence outlined above, the variant was classified as likely benign.

Labcorp Genetics (formerly Invitae), Labcorp
Classification: Benign. Last evaluated: 2025-11-10. Review status: criteria provided, single submitter. Criteria: Invitae Variant Classification Sherloc (09022015). Collection method: clinical testing. Allele origin: germline.

Blueprint Genetics
Classification: Likely benign. Last evaluated: 2024-11-22. Review status: criteria provided, single submitter. Criteria: ACMG Guidelines, 2015. Collection method: clinical testing. Allele origin: germline.

Ambry Genetics
Classification: Likely benign for Inborn genetic diseases. Last evaluated: 2024-09-26. Review status: criteria provided, single submitter. Criteria: Ambry Variant Classification Scheme 2023. Collection method: clinical testing. Allele origin: germline.

CeGaT Center for Human Genetics Tuebingen
Classification: Likely benign. Last evaluated: 2024-06-01. Review status: criteria provided, single submitter. Criteria: CeGaT Center For Human Genetics Tuebingen Variant Classification Criteria Version 2. Collection method: clinical testing. Allele origin: germline. Affected: yes. Observed: 4 variant alleles.
Comment: TGM6: BP4

Athena Diagnostics
Classification: Benign. Last evaluated: 2019-02-06. Review status: criteria provided, single submitter. Criteria: Athena Diagnostics Criteria. Collection method: clinical testing. Allele origin: germline.

Illumina Laboratory Services, Illumina
Classification: Uncertain significance for Spinocerebellar ataxia type 35. Last evaluated: 2017-04-27. Review status: criteria provided, single submitter. Criteria: ICSL Variant Classification Criteria 13 December 2019. Collection method: clinical testing. Allele origin: germline.

PreventionGenetics, part of Exact Sciences
Classification: Likely benign for TGM6-related condition. Last evaluated: 2020-06-15. Review status: no assertion criteria provided. Collection method: clinical testing. Allele origin: germline. Not counted in ClinVar's aggregate classification.
Comment: This variant is classified as likely benign based on ACMG/AMP sequence variant interpretation guidelines (Richards et al. 2015 PMID: 25741868, with internal and published modifications).

Department of Pathology and Laboratory Medicine, Sinai Health System
Classification: Likely benign. Review status: no assertion criteria provided. Collection method: clinical testing. Allele origin: unknown. Affected: yes. Study: The Canadian Open Genetics Repository (COGR). Not counted in ClinVar's aggregate classification.
Comment: The TGM6 p.Ser39Cys variant was not identified in the literature nor was it identified in LOVD 3.0. The variant was identified in dbSNP (ID: rs144201778) and ClinVar (classified as uncertain significance by Ambry Genetics). The variant was identified in control databases in 120 of 281364 chromosomes (1 homozygous) at a frequency of 0.0004265 increasing the likelihood this could be a low frequency benign variant (Genome Aggregation Database March 6, 2019, v2.1.1). The variant was observed in the following populations: South Asian in 23 of 30534 chromosomes (freq: 0.000753), European (non-Finnish) in 93 of 128320 chromosomes (freq: 0.000725), Other in 1 of 7192 chromosomes (freq: 0.000139) and Latino in 3 of 35326 chromosomes (freq: 0.000085), but was not observed in the African, Ashkenazi Jewish, East Asian, or European (Finnish) populations. The p.Ser39 residue is not conserved in mammals and computational analyses (PolyPhen-2, SIFT, AlignGVGD, BLOSUM, MutationTaster) provide inconsistent predictions regarding the impact to the protein; this information is not very predictive of pathogenicity. The variant occurs outside of the splicing consensus sequence and in silico or computational prediction software programs (SpliceSiteFinder, MaxEntScan, NNSPLICE, GeneSplicer) do not predict a difference in splicing. In summary, based on the above information the clinical significance of this variant cannot be determined with certainty at this time although we would lean towards a more benign role for this variant. This variant is classified as likely benign.

Literature cited by the submitters: PubMed 25356970 (cited by Women's Health and Genetics/Laboratory Corporation of America, LabCorp); PubMed 30670339 (cited by Athena Diagnostics).